The following is an entry in ClinVar:

NM_004984.4(KIF5A):c.1850G>A (p.Arg617His)

Gene: KIF5A (kinesin family member 5A; plus strand). Cytogenetic location: 12q13.3.
Variant type: single nucleotide variant.
Coding change: c.1850G>A on transcript NM_004984.4 (MANE Select); coding-DNA position 1850, G replaced by A.
Protein change: p.Arg617His; replaces arginine 617 with histidine.
Molecular consequence: missense variant.
Genome position (GRCh38, 1-based): chr12:57,575,217, G>A. VCF-style: chr12-57575217-G-A. GRCh37 (hg19) VCF-style: chr12-57969000-G-A.
Other names: c.1583G>A, p.Arg528His (NM_001354705.2); short protein forms R528H, R617H.
Identifiers: ClinVar variation 1334852 (VCV001334852.7), dbSNP rs751295639, ClinGen allele CA6652924.

ClinVar aggregate classification (germline): Uncertain significance. Review status: criteria provided, multiple submitters, no conflicts (2 of 4 stars). 2 submissions from 2 submitters: Uncertain significance (2). Last evaluated 2024-11-11.

Conditions:
Spastic paraplegia. Identifiers: MedGen C0037772, HP:0001258.

Allele frequency attached by ClinVar (database versions not stated): gnomAD exomes below 0.00001 and 0.00001; TOPMed 0.00001; ExAC 0.00003.
gnomAD v4.1: 5 of 1,613,742 alleles (0.00031%); highest among the groups gnomAD compares: Admixed American, 0.0033%; no homozygotes.

Submissions (2):

Labcorp Genetics (formerly Invitae), Labcorp
Classification: Uncertain significance for Spastic paraplegia. Last evaluated: 2024-11-11. Review status: criteria provided, single submitter. Criteria: Invitae Variant Classification Sherloc (09022015). Collection method: clinical testing. Allele origin: germline.
Comment: This sequence change replaces arginine, which is basic and polar, with histidine, which is basic and polar, at codon 617 of the KIF5A protein (p.Arg617His). This variant is present in population databases (rs751295639, gnomAD 0.006%). This variant has not been reported in the literature in individuals affected with KIF5A-related conditions. ClinVar contains an entry for this variant (Variation ID: 1334852). Invitae Evidence Modeling of protein sequence and biophysical properties (such as structural, functional, and spatial information, amino acid conservation, physicochemical variation, residue mobility, and thermodynamic stability) has been performed for this missense variant. However, the output from this modeling did not meet the statistical confidence thresholds required to predict the impact of this variant on KIF5A protein function. In summary, the available evidence is currently insufficient to determine the role of this variant in disease. Therefore, it has been classified as a Variant of Uncertain Significance.

Genetic Services Laboratory, University of Chicago
Classification: Uncertain significance. Last evaluated: 2018-06-18. Review status: criteria provided, single submitter. Criteria: ACMG Guidelines, 2015. Collection method: clinical testing. Allele origin: germline. Affected: no.